The following is an entry in ClinVar:

ClinVar aggregate classification (germline): Likely pathogenic (1 of 4 stars; one submission).

Submission:

Labcorp Genetics (formerly Invitae), Labcorp
Classification: Likely pathogenic. Last evaluated: 2024-12-29. Review status: criteria provided, single submitter. Criteria: Invitae Variant Classification Sherloc (09022015). Collection method: clinical testing. Allele origin: germline.
Comment: This variant, c.3089_3091del, results in the deletion of 1 amino acid(s) of the COL4A5 protein (p.Gly1030del), but otherwise preserves the integrity of the reading frame. This variant is not present in population databases (gnomAD no frequency). This variant has been observed in individual(s) with clinical features of Alport syndrome (internal data). This variant disrupts the triple helix domain of COL4A5. Glycine residues within the Gly-Xaa-Yaa repeats of the triple helix domain are required for the structure and stability of fibrillar collagens (PMID: 7695699, 8218237, 19344236). In COL4A5, missense variants at these glycine residues are significantly enriched in individuals with disease (PMID: 23720012, 27627812) compared to the general population (ExAC). In summary, the currently available evidence indicates that the variant is pathogenic, but additional data are needed to prove that conclusively. Therefore, this variant has been classified as Likely Pathogenic.

Literature cited by the submitters: PubMed 7695699; PubMed 8218237; PubMed 19344236; PubMed 23720012; PubMed 27627812.

NM_033380.3(COL4A5):c.3089_3091del (p.Gly1030del)

Gene: COL4A5 (collagen type IV alpha 5 chain; plus strand). Cytogenetic location: Xq22.3.
Variant type: Deletion.
Coding change: c.3089_3091del on transcript NM_033380.3 (MANE Select); coding-DNA positions 3089 to 3091, 3 bases deleted (GTG; older notation c.3089_3091delGTG).
Protein change: p.Gly1030del; deletes glycine 1030.
Genome position (GRCh38, 1-based): chrX:108,625,777-108,625,779, GTG deleted; deleting any 3 consecutive bases within chrX:108,625,776-108,625,779 gives the same sequence; the c. name uses the placement nearest the transcript's 3' end. VCF-style (leftmost placement, unchanged base first): chrX-108625775-CGGT-C. GRCh37 (hg19) VCF-style: chrX-107869005-CGGT-C.
Other names: c.3089_3091del, p.Gly1030del (NM_000495.5); short protein forms G1030del.
Identifiers: ClinVar variation 3650991 (VCV003650991.2).
Genomic context (GRCh38, chrX:108,625,775, plus strand): 5'-TAACCCTGGTCTCCCTGGACAGCCAGGTCTTATAGGACCTCCTGGACTTAAAGGAACCAT[CGGT>C]GATATGGGTTTTCCAGGTGAGTGATGAAAATCTTCCAAATATTTAGTCCCATTAATGAAA-3'